The following is an entry in ClinVar:

ClinVar aggregate classification (germline): Pathogenic (1 of 4 stars; one submission).

Submission:

Labcorp Genetics (formerly Invitae), Labcorp
Classification: Pathogenic. Last evaluated: 2021-03-20. Review status: criteria provided, single submitter. Criteria: Invitae Variant Classification Sherloc (09022015). Collection method: clinical testing. Allele origin: germline.
Comment: This variant has not been reported in the literature in individuals with SI-related conditions. This variant is not present in population databases (ExAC no frequency). This sequence change creates a premature translational stop signal (p.Trp360*) in the SI gene. It is expected to result in an absent or disrupted protein product. Loss-of-function variants in SI are known to be pathogenic (PMID: 16329100, 23103650, 25452324). For these reasons, this variant has been classified as Pathogenic.

Literature cited by the submitters: PubMed 16329100; PubMed 23103650; PubMed 25452324.

NM_001041.4(SI):c.1079G>A (p.Trp360Ter)

Gene: SI (sucrase-isomaltase; minus strand). Cytogenetic location: 3q26.1.
Variant type: single nucleotide variant.
Coding change: c.1079G>A on transcript NM_001041.4 (MANE Select); coding-DNA position 1079, G replaced by A.
Protein change: p.Trp360Ter; replaces tryptophan 360 with a stop codon.
Molecular consequence: nonsense.
Genome position (GRCh38, 1-based): chr3:165,059,969, C>T on the plus strand (G>A on the coding strand, the complement: SI is on the minus strand). VCF-style: chr3-165059969-C-T. GRCh37 (hg19) VCF-style: chr3-164777757-C-T.
Other names: short protein forms W360*.
Identifiers: ClinVar variation 1399272 (VCV001399272.5), dbSNP rs267599669, ClinGen allele CA86493400.